The following is an entry in ClinVar:

NM_015650.4(IFT54):c.88C>T (p.Pro30Ser)

Gene: IFT54 (intraflagellar transport 54; plus strand). Cytogenetic location: 2q37.3.
Variant type: single nucleotide variant.
Coding change: c.88C>T on transcript NM_015650.4 (MANE Select); coding-DNA position 88, C replaced by T.
Protein change: p.Pro30Ser; replaces proline 30 with serine.
Molecular consequence: missense variant.
Genome position (GRCh38, 1-based): chr2:238,320,750, C>T. VCF-style: chr2-238320750-C-T. GRCh37 (hg19) VCF-style: chr2-239229391-C-T.
Other names: c.88C>T, p.Pro30Ser (NM_001139490.1); short protein forms P30S.
Identifiers: ClinVar variation 951276 (VCV000951276.10), dbSNP rs1256966921, ClinGen allele CA351240053.
Genomic context (GRCh38, chr2:238,320,750, plus strand): 5'-CAGGAGGCGCTGGGGAAAGTGATTCGGAGGCCGCCGCTGACCGAGAAGCTGCTGAGCAAG[C>T]CCCCGTTCCGCTACCTGCACGACATCATCACGGAGGTGGGCGCCGGGGACCGGGCCCGGC-3'
Protein context (NP_056465.2, residues 20-40): PPLTEKLLSK[Pro30Ser]PFRYLHDIIT

ClinVar aggregate classification (germline): Uncertain significance. Review status: criteria provided, multiple submitters, no conflicts (2 of 4 stars). 3 submissions from 3 submitters: Uncertain significance (3). Last evaluated 2024-11-23.

Conditions:
Senior-Loken syndrome 9 (SLSN9). Identifiers: Orphanet 3156, MedGen C4225263, MONDO:0014712, OMIM 616629.

Allele frequency attached by ClinVar (database versions not stated): TOPMed below 0.00001; gnomAD exomes 0.00001 and 0.00004.

Submissions (3):

Blueprint Genetics
Classification: Uncertain significance. Last evaluated: 2024-11-23. Review status: criteria provided, single submitter. Criteria: ACMG Guidelines, 2015. Collection method: clinical testing. Allele origin: germline.

Labcorp Genetics (formerly Invitae), Labcorp
Classification: Uncertain significance. Last evaluated: 2022-03-19. Review status: criteria provided, single submitter. Criteria: Invitae Variant Classification Sherloc (09022015). Collection method: clinical testing. Allele origin: germline.
Comment: This sequence change replaces proline, which is neutral and non-polar, with serine, which is neutral and polar, at codon 30 of the TRAF3IP1 protein (p.Pro30Ser). This variant is present in population databases (no rsID available, gnomAD 0.03%). This variant has not been reported in the literature in individuals affected with TRAF3IP1-related conditions. ClinVar contains an entry for this variant (Variation ID: 951276). Algorithms developed to predict the effect of missense changes on protein structure and function are either unavailable or do not agree on the potential impact of this missense change (SIFT: "Tolerated"; PolyPhen-2: "Possibly Damaging"; Align-GVGD: "Class C0"). In summary, the available evidence is currently insufficient to determine the role of this variant in disease. Therefore, it has been classified as a Variant of Uncertain Significance.

DBGen Ocular Genomics
Classification: Uncertain significance for Senior-Loken syndrome 9. Last evaluated: 2021-05-25. Review status: criteria provided, single submitter. Criteria: ACMG Guidelines, 2015. Collection method: clinical testing. Allele origin: germline. Affected: yes. Observed: 1 variant allele.